The following is an entry in ClinVar:

NM_002256.4(KISS1):c.157T>C (p.Cys53Arg)

Gene: KISS1 (KiSS-1 metastasis suppressor; minus strand). Cytogenetic location: 1q32.1.
Variant type: single nucleotide variant.
Coding change: c.157T>C on transcript NM_002256.4 (MANE Select); coding-DNA position 157, T replaced by C.
Protein change: p.Cys53Arg; replaces cysteine 53 with arginine.
Molecular consequence: missense variant.
Genome position (GRCh38, 1-based): chr1:204,190,744, A>G on the plus strand (T>C on the coding strand, the complement: KISS1 is on the minus strand). VCF-style: chr1-204190744-A-G. GRCh37 (hg19) VCF-style: chr1-204159872-A-G.
Other names: short protein forms C53R.
Identifiers: ClinVar variation 4686732 (VCV004686732.1).

ClinVar aggregate classification (germline): Uncertain significance (1 of 4 stars; one submission).

gnomAD v4.1: 101 of 1,610,742 alleles (0.0063%); highest among the groups gnomAD compares: South Asian, 0.1%; no homozygotes.

Submission:

GeneDx
Classification: Uncertain significance. Last evaluated: 2025-07-26. Review status: criteria provided, single submitter. Criteria: GeneDx Variant Classification Process June 2021. Collection method: clinical testing. Allele origin: germline. Affected: yes.
Comment: Reported in the published literature in a proband with normosmic idiopathic hypogonadotropic hypogonadism and preaxial polydactyly; however, a second variant in the KISS1 gene as not reported (PMID: 21880801); In silico analysis supports that this missense variant has a deleterious effect on protein structure/function; This variant is associated with the following publications: (PMID: 21880801)